The following is an entry in ClinVar:

NM_014363.6(SACS):c.8022T>C (p.Phe2674=)

Gene: SACS (sacsin molecular chaperone; minus strand). Cytogenetic location: 13q12.12.
Variant type: single nucleotide variant.
Coding change: c.8022T>C on transcript NM_014363.6 (MANE Select); coding-DNA position 8022, T replaced by C.
Protein change: p.Phe2674=; no amino-acid change (phenylalanine 2674 retained).
Molecular consequence: synonymous variant.
Genome position (GRCh38, 1-based): chr13:23,335,854, A>G on the plus strand (T>C on the coding strand, the complement: SACS is on the minus strand). VCF-style: chr13-23335854-A-G. GRCh37 (hg19) VCF-style: chr13-23909993-A-G.
Other names: p.Phe2674=; c.7581T>C, p.Phe2527= (NM_001278055.2).
Identifiers: ClinVar variation 285243 (VCV000285243.71), dbSNP rs34928783, ClinGen allele CA6910829.

ClinVar aggregate classification (germline): Conflicting classifications of pathogenicity. Review status: criteria provided, conflicting classifications (1 of 4 stars). 11 submissions from 11 submitters: Uncertain significance (3); Benign (3); Likely benign (4). 1 of the submissions does not count toward it. Last evaluated 2026-04-16.

Conditions:
SACS-related disorder. Also called: SACS-related condition.
Spastic paraplegia. Identifiers: MedGen C0037772, HP:0001258.
Hereditary spastic paraplegia. Also called: Familial spastic paraparesis. Identifiers: Orphanet 685, MedGen C0037773, MONDO:0019064. Disease mechanism: loss of function.
Charlevoix-Saguenay spastic ataxia (SACS). Also called: SPASTIC ATAXIA 6, AUTOSOMAL RECESSIVE; AUTOSOMAL RECESSIVE SPASTIC ATAXIA OF CHARLEVOIX-SAGUENAY; Spastic ataxia of Charlevoix-Saguenay. Identifiers: Orphanet 98, MedGen C1849140, MONDO:0010041, OMIM 270550.

Allele frequency attached by ClinVar (database versions not stated): ESP Exome Variant Server 0.00038; 1000 Genomes Project 0.00040; 1000 Genomes Project 30x 0.00047; TOPMed 0.00072.
gnomAD v4.1: 1,183 of 1,614,020 alleles (0.073%); highest among the groups gnomAD compares: Middle Eastern, 0.43%; 4 homozygotes.

Submissions (11):

PreventionGenetics, part of Exact Sciences
Classification: Likely benign for SACS-related condition. Last evaluated: 2026-04-16. Review status: criteria provided, single submitter. Criteria: ACMG Guidelines, 2015. Collection method: clinical testing. Allele origin: germline.
Comment: This variant is classified as likely benign based on ACMG/AMP sequence variant interpretation guidelines (Richards et al. 2015 PMID: 25741868, with internal and published modifications).

Labcorp Genetics (formerly Invitae), Labcorp
Classification: Benign for Spastic paraplegia. Last evaluated: 2026-01-31. Review status: criteria provided, single submitter. Criteria: Invitae Variant Classification Sherloc (09022015). Collection method: clinical testing. Allele origin: germline.

Mayo Clinic Laboratories, Mayo Clinic
Classification: Benign. Last evaluated: 2025-08-26. Review status: criteria provided, single submitter. Criteria: ACMG Guidelines, 2015. Collection method: clinical testing. Allele origin: germline. Observed: 5 variant alleles.
Comment: BA1, BP4, BP7

Blueprint Genetics
Classification: Likely benign. Last evaluated: 2024-11-19. Review status: criteria provided, single submitter. Criteria: ACMG Guidelines, 2015. Collection method: clinical testing. Allele origin: germline.

Athena Diagnostics
Classification: Benign. Last evaluated: 2024-03-20. Review status: criteria provided, single submitter. Criteria: Athena Diagnostics Criteria. Collection method: clinical testing. Allele origin: unknown.

CeGaT Center for Human Genetics Tuebingen
Classification: Likely benign. Last evaluated: 2022-04-01. Review status: criteria provided, single submitter. Criteria: CeGaT Center For Human Genetics Tuebingen Variant Classification Criteria Version 2. Collection method: clinical testing. Allele origin: germline. Affected: yes. Observed: 2 variant alleles.
Comment: SACS: BP4, BP7

Genome-Nilou Lab
Classification: Likely benign for Charlevoix-Saguenay spastic ataxia. Last evaluated: 2021-09-05. Review status: criteria provided, single submitter. Criteria: ACMG Guidelines, 2015. Collection method: clinical testing. Allele origin: germline. Affected: no.

Illumina Laboratory Services, Illumina
Classification: Uncertain significance for Charlevoix-Saguenay spastic ataxia. Last evaluated: 2018-01-13. Review status: criteria provided, single submitter. Criteria: ICSL Variant Classification Criteria 13 December 2019. Collection method: clinical testing. Allele origin: germline.

Genome Diagnostics Laboratory, The Hospital for Sick Children
Classification: Uncertain significance for Hereditary spastic paraplegia. Last evaluated: 2016-12-12. Review status: criteria provided, single submitter. Criteria: ACMG Guidelines, 2015. Collection method: clinical testing. Allele origin: germline. Affected: yes.

Eurofins Ntd Llc (ga)
Classification: Uncertain significance. Last evaluated: 2015-12-07. Review status: criteria provided, single submitter. Criteria: EGL Classification Definitions 2015. Collection method: clinical testing. Allele origin: germline. Observed: 1 variant allele, 1 heterozygote.

Natera, Inc.
Classification: Benign for Charlevoix-Saguenay type spastic ataxia. Last evaluated: 2020-05-19. Review status: no assertion criteria provided. Collection method: clinical testing. Allele origin: germline. Not counted in ClinVar's aggregate classification.